The following is an entry in ClinVar:

NM_022168.4(IFIH1):c.769+15T>G

Gene: IFIH1 (interferon induced with helicase C domain 1; minus strand). Cytogenetic location: 2q24.2.
Variant type: single nucleotide variant.
Coding change: c.769+15T>G on transcript NM_022168.4 (MANE Select); 15 bases into the intron after coding-DNA position 769, T replaced by G.
Molecular consequence: intron variant.
Genome position (GRCh38, 1-based): chr2:162,306,694, A>C on the plus strand (T>G on the coding strand, the complement: IFIH1 is on the minus strand). VCF-style: chr2-162306694-A-C. GRCh37 (hg19) VCF-style: chr2-163163204-A-C.
Identifiers: ClinVar variation 3763233 (VCV003763233.2).

ClinVar aggregate classification (germline): Uncertain significance (1 of 4 stars; one submission).

Conditions:
Aicardi-Goutieres syndrome 7 (AGS7). Identifiers: Orphanet 51, MedGen C3888244, MONDO:0014367, OMIM 615846.
Singleton-Merten syndrome 1 (SGMRT1). Also called: Widened medullary cavities of bone, aortic calcification, abnormal dentition, and muscular weakness; Syndrome of widened medullary cavities of the metacarpals and phalanges, aortic calcification and abnormal dentition. Identifiers: Orphanet 85191, MedGen C4225427, MONDO:0024535, OMIM 182250.

Submission:

Labcorp Genetics (formerly Invitae), Labcorp
Classification: Uncertain significance for Aicardi-Goutieres syndrome 7; Singleton-Merten syndrome 1. Last evaluated: 2024-11-02. Review status: criteria provided, single submitter. Criteria: Invitae Variant Classification Sherloc (09022015). Collection method: clinical testing. Allele origin: germline.
Comment: This sequence change falls in intron 3 of the IFIH1 gene. It does not directly change the encoded amino acid sequence of the IFIH1 protein. This variant is not present in population databases (gnomAD no frequency). This variant has not been reported in the literature in individuals affected with IFIH1-related conditions. Algorithms developed to predict the effect of sequence changes on RNA splicing suggest that this variant may create or strengthen a splice site. In summary, the available evidence is currently insufficient to determine the role of this variant in disease. Therefore, it has been classified as a Variant of Uncertain Significance.